The following is an entry in ClinVar:

ClinVar aggregate classification (germline): Uncertain significance (1 of 4 stars; one submission).

Conditions:
Dilated cardiomyopathy 1AA (CMD1AA). Also called: Cardiomyopathy, dilated, 1AA, with or without LVNC; CARDIOMYOPATHY, DILATED, 1AA, WITH OR WITHOUT LEFT VENTRICULAR NONCOMPACTION; CARDIOMYOPATHY, FAMILIAL HYPERTROPHIC, 23, WITH OR WITHOUT LEFT VENTRICULAR NONCOMPACTION. Identifiers: Orphanet 154, MedGen C2677338, MONDO:0012808, OMIM 612158.
Primary familial hypertrophic cardiomyopathy (HCM). Identifiers: Orphanet 99739, MedGen C0949658, MeSH D024741, MONDO:0024573. Inheritance: Various modes of inheritance.

Allele frequency attached by ClinVar (database versions not stated): gnomAD 0.00001; 1000 Genomes Project 30x 0.00016; 1000 Genomes Project 0.00020.
gnomAD v4.1: 1 of 1,614,144 alleles (0.000062%); highest among the groups gnomAD compares: Non-Finnish European, 0.000085%; no homozygotes.

Submission:

Labcorp Genetics (formerly Invitae), Labcorp
Classification: Uncertain significance for Primary familial hypertrophic cardiomyopathy; Dilated cardiomyopathy 1AA. Last evaluated: 2024-04-22. Review status: criteria provided, single submitter. Criteria: Invitae Variant Classification Sherloc (09022015). Collection method: clinical testing. Allele origin: germline.
Comment: This sequence change falls in intron 17 of the ACTN2 gene. It does not directly change the encoded amino acid sequence of the ACTN2 protein. This variant is not present in population databases (gnomAD no frequency). This variant has not been reported in the literature in individuals affected with ACTN2-related conditions. ClinVar contains an entry for this variant (Variation ID: 1426559). Algorithms developed to predict the effect of sequence changes on RNA splicing suggest that this variant may create or strengthen a splice site. In summary, the available evidence is currently insufficient to determine the role of this variant in disease. Therefore, it has been classified as a Variant of Uncertain Significance.

NM_001103.4(ACTN2):c.2155-4A>G

Gene: ACTN2 (actinin alpha 2; plus strand). Cytogenetic location: 1q43.
Variant type: single nucleotide variant.
Coding change: c.2155-4A>G on transcript NM_001103.4 (MANE Select); 4 bases into the intron before coding-DNA position 2155, A replaced by G.
Molecular consequence: intron variant.
Genome position (GRCh38, 1-based): chr1:236,757,482, A>G. VCF-style: chr1-236757482-A-G. GRCh37 (hg19) VCF-style: chr1-236920782-A-G.
Other names: c.1531-4A>G (NM_001278344.2); c.2155-4A>G (NM_001278343.2).
Identifiers: ClinVar variation 1426559 (VCV001426559.8), dbSNP rs201576900, ClinGen allele CA39743659.
Genomic context (GRCh38, chr1:236,757,482, plus strand): 5'-TAAAGAGGCAGAGTTGACATGCTGGAGAGACTTAGAACTGATCTTTCCCCTTTTCCCTCA[A>G]TAGCACATTCGTGTTGGATGGGAGCTGCTGCTGACAACCATCGCCAGAACCATCAATGAG-3'